The following is an entry in ClinVar:

NM_003072.5(SMARCA4):c.929G>T (p.Arg310Leu)

Gene: SMARCA4 (SWI/SNF related BAF chromatin remodeling complex subunit ATPase 4; plus strand). Cytogenetic location: 19p13.2.
Variant type: single nucleotide variant.
Coding change: c.929G>T on transcript NM_003072.5 (MANE Select); coding-DNA position 929, G replaced by T.
Protein change: p.Arg310Leu; replaces arginine 310 with leucine.
Molecular consequence: missense variant. On other transcripts: non-coding transcript variant (1).
Genome position (GRCh38, 1-based): chr19:10,987,735, G>T. VCF-style: chr19-10987735-G-T. GRCh37 (hg19) VCF-style: chr19-11098411-G-T.
Other names: c.929G>T, p.Arg310Leu (NM_001128844.3, NM_001128845.2, NM_001128846.2 and 6 more transcripts); short protein forms R310L.
Identifiers: ClinVar variation 4802543 (VCV004802543.1).

ClinVar aggregate classification (germline): Uncertain significance (1 of 4 stars; one submission).

Conditions:
Rhabdoid tumor predisposition syndrome 2 (RTPS2). Identifiers: Orphanet 231108, Orphanet 69077, MedGen C2750074, MONDO:0013224, OMIM 613325.

Submission:

Labcorp Genetics (formerly Invitae), Labcorp
Classification: Uncertain significance for Rhabdoid tumor predisposition syndrome 2. Last evaluated: 2025-12-21. Review status: criteria provided, single submitter. Criteria: Invitae Variant Classification Sherloc (09022015). Collection method: clinical testing. Allele origin: germline.
Comment: This sequence change replaces arginine, which is basic and polar, with leucine, which is neutral and non-polar, at codon 310 of the SMARCA4 protein (p.Arg310Leu). This variant is not present in population databases (gnomAD no frequency). This variant has not been reported in the literature in individuals affected with SMARCA4-related conditions. Invitae Evidence Modeling of protein sequence and biophysical properties (such as structural, functional, and spatial information, amino acid conservation, physicochemical variation, residue mobility, and thermodynamic stability) indicates that this missense variant is not expected to disrupt SMARCA4 protein function with a negative predictive value of 95%. In summary, the available evidence is currently insufficient to determine the role of this variant in disease. Therefore, it has been classified as a Variant of Uncertain Significance.